The following is an entry in ClinVar:

NM_005751.5(AKAP9):c.350A>G (p.Glu117Gly)

Gene: AKAP9 (A-kinase anchoring protein 9; plus strand). Cytogenetic location: 7q21.2.
Variant type: single nucleotide variant.
Coding change: c.350A>G on transcript NM_005751.5 (MANE Select); coding-DNA position 350, A replaced by G.
Protein change: p.Glu117Gly; replaces glutamic acid 117 with glycine.
Molecular consequence: missense variant.
Genome position (GRCh38, 1-based): chr7:91,980,332, A>G. VCF-style: chr7-91980332-A-G. GRCh37 (hg19) VCF-style: chr7-91609646-A-G.
Other names: c.350A>G, p.Glu117Gly (NM_147185.3); short protein forms E117G.
Identifiers: ClinVar variation 5033863 (VCV005033863.1).

ClinVar aggregate classification (germline): Uncertain significance (1 of 4 stars; one submission).

Conditions:
Cardiovascular phenotype. Identifiers: MedGen CN230736.

Submission:

Ambry Genetics
Classification: Uncertain significance for Cardiovascular phenotype. Last evaluated: 2026-06-18. Review status: criteria provided, single submitter. Criteria: Ambry Variant Classification Scheme 2023. Collection method: clinical testing. Allele origin: germline.
Comment: The p.E117G variant (also known as c.350A>G), located in coding exon 3 of the AKAP9 gene, results from an A to G substitution at nucleotide position 350. The glutamic acid at codon 117 is replaced by glycine, an amino acid with similar properties. This amino acid position is conserved. In addition, the in silico prediction for this alteration is inconclusive. Based on the available evidence, the clinical significance of this variant remains unclear.